The following is an entry in ClinVar:

NM_000188.3(HK1):c.1838C>T (p.Ala613Val)

Gene: HK1 (hexokinase 1; plus strand). Cytogenetic location: 10q22.1.
Variant type: single nucleotide variant.
Coding change: c.1838C>T on transcript NM_000188.3 (MANE Select); coding-DNA position 1838, C replaced by T.
Protein change: p.Ala613Val; replaces alanine 613 with valine.
Molecular consequence: missense variant.
Genome position (GRCh38, 1-based): chr10:69,384,914, C>T. VCF-style: chr10-69384914-C-T. GRCh37 (hg19) VCF-style: chr10-71144670-C-T.
Other names: c.1850C>T, p.Ala617Val (NM_001322364.2, NM_001358263.1, NM_033497.3 and 1 more transcripts); c.1943C>T, p.Ala648Val (NM_001322365.2); c.1754C>T, p.Ala585Val (NM_001322366.1); c.1742C>T, p.Ala581Val (NM_001322367.1); c.1835C>T, p.Ala612Val (NM_033496.3); c.1802C>T, p.Ala601Val (NM_033500.2); c.1838C>T (NM_000188.2); short protein forms A581V, A585V, A601V, A612V, A613V, A617V, A648V.
Identifiers: ClinVar variation 1598689 (VCV001598689.11), dbSNP rs554507867, ClinGen allele CA5532691.

ClinVar aggregate classification (germline): Conflicting classifications of pathogenicity. Review status: criteria provided, conflicting classifications (1 of 4 stars). 3 submissions from 3 submitters: Uncertain significance (1); Benign (2). Last evaluated 2026-06-20.

Conditions:
HK1-related disorder. Also called: HK1-related disorders; HK1-related condition.

Allele frequency attached by ClinVar (database versions not stated): gnomAD 0.00002 and 0.00005; gnomAD exomes 0.00005 and 0.00013; TOPMed 0.00005; ExAC 0.00012; 1000 Genomes Project 0.00020; 1000 Genomes Project 30x 0.00031.
gnomAD v4.1: 86 of 1,614,162 alleles (0.0053%); highest among the groups gnomAD compares: South Asian, 0.078%; 2 homozygotes.

Submissions (3):

PreventionGenetics, part of Exact Sciences
Classification: Uncertain significance for HK1-related condition. Last evaluated: 2026-06-20. Review status: criteria provided, single submitter. Criteria: ACMG Guidelines, 2015. Collection method: clinical testing. Allele origin: germline.
Comment: The HK1 c.1838C>T variant is predicted to result in the amino acid substitution p.Ala613Val. To our knowledge, this variant has not been reported in the literature. This variant is reported in 0.10% of alleles in individuals of South Asian descent in gnomAD, which may be too frequent to be a primary cause of disease. Although we suspect that this variant may be benign, the clinical significance of this variant is currently classified as uncertain due to the absence of conclusive functional and genetic evidence.

Labcorp Genetics (formerly Invitae), Labcorp
Classification: Benign. Last evaluated: 2025-01-30. Review status: criteria provided, single submitter. Criteria: Invitae Variant Classification Sherloc (09022015). Collection method: clinical testing. Allele origin: germline.

Blueprint Genetics
Classification: Benign. Last evaluated: 2022-06-08. Review status: criteria provided, single submitter. Criteria: ACMG Guidelines, 2015. Collection method: clinical testing. Allele origin: germline.